The following is an entry in ClinVar:

NM_001354604.2(MITF):c.862A>G (p.Ile288Val)

Gene: MITF (melanocyte inducing transcription factor; plus strand). Cytogenetic location: 3p13.
Variant type: single nucleotide variant.
Coding change: c.862A>G on transcript NM_001354604.2 (MANE Select); coding-DNA position 862, A replaced by G.
Protein change: p.Ile288Val; replaces isoleucine 288 with valine.
Molecular consequence: missense variant.
Genome position (GRCh38, 1-based): chr3:69,949,150, A>G. VCF-style: chr3-69949150-A-G. GRCh37 (hg19) VCF-style: chr3-69998301-A-G.
Other names: c.541A>G, p.Ile181Val (NM_000248.4, NM_198158.3); c.706A>G, p.Ile236Val (NM_001184967.2, NM_001354608.2); c.859A>G, p.Ile287Val (NM_001354605.2, NM_001354606.2, NM_006722.3); c.811A>G, p.Ile271Val (NM_001354607.2); c.862A>G, p.Ile288Val (NM_198159.3); c.814A>G, p.Ile272Val (NM_198177.3); c.373A>G, p.Ile125Val (NM_198178.3); short protein forms I271V, I125V, I181V, I236V, I272V, I288V, I287V.
Identifiers: ClinVar variation 2937809 (VCV002937809.4), dbSNP rs1461382408, ClinGen allele CA353561443.

ClinVar aggregate classification (germline): Uncertain significance. Review status: criteria provided, multiple submitters, no conflicts (2 of 4 stars). 2 submissions from 2 submitters: Uncertain significance (2). Last evaluated 2025-01-29.

Conditions:
Hereditary cancer-predisposing syndrome. Also called: Hereditary Cancer Syndrome; Neoplastic Syndromes, Hereditary; Tumor predisposition; Hereditary neoplastic syndrome. Identifiers: Orphanet 140162, MedGen C0027672, MeSH D009386, MONDO:0015356.
Tietz syndrome (TADS). Also called: ALBINISM-DEAFNESS OF TIETZ; HYPOPIGMENTATION/DEAFNESS OF TIETZ; TIETZ ALBINISM-DEAFNESS SYNDROME. Identifiers: Orphanet 42665, MedGen C0391816, MONDO:0007077, OMIM 103500.
Waardenburg syndrome type 2A (WS2A). Also called: WAARDENBURG SYNDROME WITHOUT DYSTOPIA CANTHORUM. Identifiers: Orphanet 3440, MedGen C1860339, MONDO:0008671, OMIM 193510.
Melanoma, cutaneous malignant, susceptibility to, 8. Also called: MELANOMA AND RENAL CELL CARCINOMA, SUSCEPTIBILITY TO; Cutaneous malignant melanoma 8. Identifiers: Orphanet 293822, MedGen C3152204, MONDO:0013759, OMIM 614456.

Allele frequency attached by ClinVar (database versions not stated): gnomAD 0.00001; TOPMed 0.00001.
gnomAD v4.1: 2 of 1,613,124 alleles (0.00012%); highest among the groups gnomAD compares: African/African-American, 0.0013%; no homozygotes.

Submissions (2):

Ambry Genetics
Classification: Uncertain significance for Hereditary cancer-predisposing syndrome. Last evaluated: 2025-01-29. Review status: criteria provided, single submitter. Criteria: Ambry Variant Classification Scheme 2023. Collection method: clinical testing. Allele origin: germline.
Comment: The p.I181V variant (also known as c.541A>G), located in coding exon 5 of the MITF gene, results from an A to G substitution at nucleotide position 541. The isoleucine at codon 181 is replaced by valine, an amino acid with highly similar properties. This amino acid position is conserved. In addition, this alteration is predicted to be tolerated by in silico analysis. Based on the available evidence, the clinical significance of this variant remains unclear.

Labcorp Genetics (formerly Invitae), Labcorp
Classification: Uncertain significance for Melanoma, cutaneous malignant, susceptibility to, 8; Waardenburg syndrome type 2A; Tietz syndrome. Last evaluated: 2024-01-24. Review status: criteria provided, single submitter. Criteria: Invitae Variant Classification Sherloc (09022015). Collection method: clinical testing. Allele origin: germline.
Comment: This sequence change replaces isoleucine, which is neutral and non-polar, with valine, which is neutral and non-polar, at codon 181 of the MITF protein (p.Ile181Val). This variant is present in population databases (no rsID available, gnomAD 0.0009%). This variant has not been reported in the literature in individuals affected with MITF-related conditions. Advanced modeling of protein sequence and biophysical properties (such as structural, functional, and spatial information, amino acid conservation, physicochemical variation, residue mobility, and thermodynamic stability) performed at Invitae indicates that this missense variant is not expected to disrupt MITF protein function with a negative predictive value of 80%. In summary, the available evidence is currently insufficient to determine the role of this variant in disease. Therefore, it has been classified as a Variant of Uncertain Significance.